The following is an entry in ClinVar:

ClinVar aggregate classification (germline): Uncertain significance (1 of 4 stars; one submission).

Conditions:
Facioscapulohumeral muscular dystrophy 2 (FSHD2). Also called: FACIOSCAPULOHUMERAL MUSCULAR DYSTROPHY 2, DIGENIC; FSHD2, DIGENIC; MUSCULAR DYSTROPHY, FACIOSCAPULOHUMERAL, TYPE 1B. Identifiers: Orphanet 269, MedGen C1834671, MONDO:0008031, OMIM 158901.

Allele frequency attached by ClinVar (database versions not stated): gnomAD 0.00001; gnomAD exomes 0.00001; TOPMed 0.00001; ExAC 0.00002; ESP Exome Variant Server 0.00009.
gnomAD v4.1: 15 of 1,612,344 alleles (0.00093%); highest among the groups gnomAD compares: African/African-American, 0.0013%; no homozygotes.

Submission:

Labcorp Genetics (formerly Invitae), Labcorp
Classification: Uncertain significance for Facioscapulohumeral muscular dystrophy 2. Last evaluated: 2024-10-16. Review status: criteria provided, single submitter. Criteria: Invitae Variant Classification Sherloc (09022015). Collection method: clinical testing. Allele origin: germline.
Comment: This sequence change replaces arginine, which is basic and polar, with cysteine, which is neutral and slightly polar, at codon 928 of the SMCHD1 protein (p.Arg928Cys). This variant is present in population databases (rs377447237, gnomAD 0.002%). This variant has not been reported in the literature in individuals affected with SMCHD1-related conditions. ClinVar contains an entry for this variant (Variation ID: 2071025). Invitae Evidence Modeling of protein sequence and biophysical properties (such as structural, functional, and spatial information, amino acid conservation, physicochemical variation, residue mobility, and thermodynamic stability) indicates that this missense variant is not expected to disrupt SMCHD1 protein function with a negative predictive value of 80%. In summary, the available evidence is currently insufficient to determine the role of this variant in disease. Therefore, it has been classified as a Variant of Uncertain Significance.

NM_015295.3(SMCHD1):c.2782C>T (p.Arg928Cys)

Gene: SMCHD1 (structural maintenance of chromosomes flexible hinge domain containing 1; plus strand). Cytogenetic location: 18p11.32.
Variant type: single nucleotide variant.
Coding change: c.2782C>T on transcript NM_015295.3 (MANE Select); coding-DNA position 2782, C replaced by T.
Protein change: p.Arg928Cys; replaces arginine 928 with cysteine.
Molecular consequence: missense variant.
Genome position (GRCh38, 1-based): chr18:2,728,465, C>T. VCF-style: chr18-2728465-C-T. GRCh37 (hg19) VCF-style: chr18-2728463-C-T.
Other names: short protein forms R928C.
Identifiers: ClinVar variation 2071025 (VCV002071025.4), dbSNP rs377447237, ClinGen allele CA8871065.
Genomic context (GRCh38, chr18:2,728,465, plus strand): 5'-ACTTTAGTCTTTGAAACCTGAATATGTATTTCATTGTATAATTTACTGTTAGGTCACCCT[C>T]GTCGACTGAAAGTGAAACCTGATTCTGAAATTTTAGTTATAGAAAATGGAACAGCTTTCC-3'
Protein context (NP_056110.2, residues 918-938): LKIRLLPGHP[Arg928Cys]RLKVKPDSEI